The following is an entry in ClinVar:

ClinVar aggregate classification (germline): Uncertain significance. Review status: criteria provided, multiple submitters, no conflicts (2 of 4 stars). 2 submissions from 2 submitters: Uncertain significance (2). Last evaluated 2025-05-11.

Allele frequency attached by ClinVar (database versions not stated): gnomAD 0.00001; TOPMed 0.00001; ExAC 0.00002.
gnomAD v4.1: 17 of 1,614,066 alleles (0.0011%); highest among the groups gnomAD compares: South Asian, 0.0022%; no homozygotes.

Submissions (2):

Labcorp Genetics (formerly Invitae), Labcorp
Classification: Uncertain significance. Last evaluated: 2025-05-11. Review status: criteria provided, single submitter. Criteria: Invitae Variant Classification Sherloc (09022015). Collection method: clinical testing. Allele origin: germline.
Comment: This sequence change replaces arginine, which is basic and polar, with histidine, which is basic and polar, at codon 480 of the SORL1 protein (p.Arg480His). This variant is present in population databases (rs757953032, gnomAD 0.002%). This missense change has been observed in individual(s) with Alzheimer disease (internal data). ClinVar contains an entry for this variant (Variation ID: 2377455). An algorithm developed to predict the effect of missense changes on protein structure and function (PolyPhen-2) suggests that this variant is likely to be disruptive. In summary, the available evidence is currently insufficient to determine the role of this variant in disease. Therefore, it has been classified as a Variant of Uncertain Significance.

Ambry Genetics
Classification: Uncertain significance. Last evaluated: 2021-09-16. Review status: criteria provided, single submitter. Criteria: Ambry Variant Classification Scheme 2023. Collection method: clinical testing. Allele origin: germline.

NM_003105.6(SORL1):c.1439G>A (p.Arg480His)

Gene: SORL1 (sortilin related receptor 1; plus strand). Cytogenetic location: 11q24.1.
Variant type: single nucleotide variant.
Coding change: c.1439G>A on transcript NM_003105.6 (MANE Select); coding-DNA position 1439, G replaced by A.
Protein change: p.Arg480His; replaces arginine 480 with histidine.
Molecular consequence: missense variant.
Genome position (GRCh38, 1-based): chr11:121,522,620, G>A. VCF-style: chr11-121522620-G-A. GRCh37 (hg19) VCF-style: chr11-121393329-G-A.
Other names: short protein forms R480H.
Identifiers: ClinVar variation 2377455 (VCV002377455.3), dbSNP rs757953032, ClinGen allele CA6328625.